The following is an entry in ClinVar:

ClinVar aggregate classification (germline): Uncertain significance. Review status: criteria provided, multiple submitters, no conflicts (2 of 4 stars). 3 submissions from 3 submitters: Uncertain significance (3). Last evaluated 2025-11-18.

Conditions:
VCAN-related disorder. Also called: VCAN-related condition.

Allele frequency attached by ClinVar (database versions not stated): ExAC 0.00002; gnomAD 0.00002 and 0.00004; gnomAD exomes 0.00002; TOPMed 0.00003.
gnomAD v4.1: 46 of 1,614,078 alleles (0.0028%); highest among the groups gnomAD compares: East Asian, 0.011%; no homozygotes.

Submissions (3):

Labcorp Genetics (formerly Invitae), Labcorp
Classification: Uncertain significance. Last evaluated: 2025-11-18. Review status: criteria provided, single submitter. Criteria: Invitae Variant Classification Sherloc (09022015). Collection method: clinical testing. Allele origin: germline.
Comment: This sequence change replaces proline, which is neutral and non-polar, with leucine, which is neutral and non-polar, at codon 2428 of the VCAN protein (p.Pro2428Leu). This variant is present in population databases (rs543483557, gnomAD 0.006%). This variant has not been reported in the literature in individuals affected with VCAN-related conditions. ClinVar contains an entry for this variant (Variation ID: 1046683). An algorithm developed to predict the effect of missense changes on protein structure and function (PolyPhen-2) suggests that this variant is likely to be tolerated. In summary, the available evidence is currently insufficient to determine the role of this variant in disease. Therefore, it has been classified as a Variant of Uncertain Significance.

Blueprint Genetics
Classification: Uncertain significance. Last evaluated: 2024-09-19. Review status: criteria provided, single submitter. Criteria: ACMG Guidelines, 2015. Collection method: clinical testing. Allele origin: germline.

PreventionGenetics, part of Exact Sciences
Classification: Uncertain significance for VCAN-related condition. Last evaluated: 2022-10-25. Review status: criteria provided, single submitter. Criteria: ACMG Guidelines, 2015. Collection method: clinical testing. Allele origin: germline.
Comment: The VCAN c.7283C>T variant is predicted to result in the amino acid substitution p.Pro2428Leu. To our knowledge, this variant has not been reported in the literature. This variant is reported in 0.0054% of alleles in individuals of East Asian descent in gnomAD. At this time, the clinical significance of this variant is uncertain due to the absence of conclusive functional and genetic evidence.

NM_004385.5(VCAN):c.7283C>T (p.Pro2428Leu)

Genes: VCAN (versican; plus strand), VCAN-AS1 (VCAN antisense RNA 1; minus strand). Cytogenetic location: 5q14.3.
Variant type: single nucleotide variant.
Coding change: c.7283C>T on transcript NM_004385.5 (MANE Select); coding-DNA position 7283, C replaced by T.
Protein change: p.Pro2428Leu; replaces proline 2428 with leucine.
Molecular consequence: missense variant. On other transcripts: intron variant (2).
Genome position (GRCh38, 1-based): chr5:83,540,286, C>T. VCF-style: chr5-83540286-C-T. GRCh37 (hg19) VCF-style: chr5-82836105-C-T.
Other names: c.7283C>T (NM_004385.4); c.4322C>T, p.Pro1441Leu (NM_001164097.2); c.4004-5251C>T (NM_001164098.2); c.1043-5251C>T (NM_001126336.3); short protein forms P1441L, P2428L.
Identifiers: ClinVar variation 1046683 (VCV001046683.9), dbSNP rs543483557, ClinGen allele CA3333606.
Genomic context (GRCh38, chr5:83,540,286, plus strand): 5'-TTGAAATGGCCAAAGAATTTGTTACATCAGCACCAAAACCATCTGACTTGTATTATGAAC[C>T]TTCTGGAGAAGGATCTGGAGAAGTGGATATTGTTGATTCATTTCACACTTCTGCAACTAC-3'
Protein context (NP_004376.2, residues 2418-2438): APKPSDLYYE[Pro2428Leu]SGEGSGEVDI